The following is an entry in ClinVar:

ClinVar aggregate classification (germline): Uncertain significance. Review status: criteria provided, multiple submitters, no conflicts (2 of 4 stars). 2 submissions from 2 submitters: Uncertain significance (2). Last evaluated 2025-11-08.

Conditions:
Donnai-Barrow syndrome. Also called: DBS/FOAR SYNDROME; FACIOOCULOACOUSTICORENAL SYNDROME. Identifiers: Orphanet 2143, MedGen C1857277, MONDO:0009104, OMIM 222448.

Allele frequency attached by ClinVar (database versions not stated): ExAC 0.00002; gnomAD 0.00005; gnomAD exomes 0.00006; TOPMed 0.00006.
gnomAD v4.1: 93 of 1,612,490 alleles (0.0058%); highest among the groups gnomAD compares: Non-Finnish European, 0.007%; no homozygotes.

Submissions (2):

Labcorp Genetics (formerly Invitae), Labcorp
Classification: Uncertain significance. Last evaluated: 2025-11-08. Review status: criteria provided, single submitter. Criteria: Invitae Variant Classification Sherloc (09022015). Collection method: clinical testing. Allele origin: germline.
Comment: This sequence change replaces aspartic acid, which is acidic and polar, with asparagine, which is neutral and polar, at codon 878 of the LRP2 protein (p.Asp878Asn). This variant is present in population databases (rs766975916, gnomAD 0.01%). This variant has not been reported in the literature in individuals affected with LRP2-related conditions. ClinVar contains an entry for this variant (Variation ID: 2174944). Invitae Evidence Modeling of protein sequence and biophysical properties (such as structural, functional, and spatial information, amino acid conservation, physicochemical variation, residue mobility, and thermodynamic stability) indicates that this missense variant is expected to disrupt LRP2 protein function with a positive predictive value of 80%. In summary, the available evidence is currently insufficient to determine the role of this variant in disease. Therefore, it has been classified as a Variant of Uncertain Significance.

Fulgent Genetics
Classification: Uncertain significance for Donnai-Barrow syndrome. Last evaluated: 2024-03-14. Review status: criteria provided, single submitter. Criteria: ACMG Guidelines, 2015. Collection method: clinical testing. Allele origin: germline.

NM_004525.3(LRP2):c.2632G>A (p.Asp878Asn)

Gene: LRP2 (LDL receptor related protein 2; minus strand). Cytogenetic location: 2q31.1.
Variant type: single nucleotide variant.
Coding change: c.2632G>A on transcript NM_004525.3 (MANE Select); coding-DNA position 2632, G replaced by A.
Protein change: p.Asp878Asn; replaces aspartic acid 878 with asparagine.
Molecular consequence: missense variant.
Genome position (GRCh38, 1-based): chr2:169,257,131, C>T on the plus strand (G>A on the coding strand, the complement: LRP2 is on the minus strand). VCF-style: chr2-169257131-C-T. GRCh37 (hg19) VCF-style: chr2-170113641-C-T.
Other names: short protein forms D878N.
Identifiers: ClinVar variation 2174944 (VCV002174944.3), dbSNP rs766975916, ClinGen allele CA1955253.